The following is an entry in ClinVar:

ClinVar aggregate classification (germline): Uncertain significance (1 of 4 stars; one submission).

Submission:

Labcorp Genetics (formerly Invitae), Labcorp
Classification: Uncertain significance. Last evaluated: 2025-01-15. Review status: criteria provided, single submitter. Criteria: Invitae Variant Classification Sherloc (09022015). Collection method: clinical testing. Allele origin: germline.
Comment: This sequence change replaces leucine, which is neutral and non-polar, with proline, which is neutral and non-polar, at codon 397 of the HYOU1 protein (p.Leu397Pro). This variant is not present in population databases (gnomAD no frequency). This variant has not been reported in the literature in individuals affected with HYOU1-related conditions. An algorithm developed to predict the effect of missense changes on protein structure and function (PolyPhen-2) suggests that this variant is likely to be disruptive. In summary, the available evidence is currently insufficient to determine the role of this variant in disease. Therefore, it has been classified as a Variant of Uncertain Significance.

NM_006389.5(HYOU1):c.1190T>C (p.Leu397Pro)

Genes: HYOU1 (hypoxia up-regulated 1; minus strand), LOC130006884 (ATAC-STARR-seq lymphoblastoid active region 5617; plus strand). Cytogenetic location: 11q23.3.
Variant type: single nucleotide variant.
Coding change: c.1190T>C on transcript NM_006389.5 (MANE Select); coding-DNA position 1190, T replaced by C.
Protein change: p.Leu397Pro; replaces leucine 397 with proline.
Molecular consequence: missense variant.
Genome position (GRCh38, 1-based): chr11:119,052,105, A>G on the plus strand (T>C on the coding strand, the complement: HYOU1 is on the minus strand). VCF-style: chr11-119052105-A-G. GRCh37 (hg19) VCF-style: chr11-118922817-A-G.
Other names: c.1190T>C, p.Leu397Pro (NM_001130991.3, NM_001411041.1); short protein forms L397P.
Identifiers: ClinVar variation 3729064 (VCV003729064.2).